The following is an entry in ClinVar:

NM_000348.4(SRD5A2):c.80_87del (p.Val27fs)

Gene: SRD5A2 (steroid 5 alpha-reductase 2; minus strand). Cytogenetic location: 2p23.1.
Variant type: Deletion.
Coding change: c.80_87del on transcript NM_000348.4 (MANE Select); coding-DNA positions 80 to 87, 8 bases deleted (TCGCGAAG; older notation c.80_87delTCGCGAAG).
Protein change: p.Val27fs; shifts the reading frame from valine 27.
Molecular consequence: frameshift variant.
Genome position (GRCh38, 1-based): chr2:31,580,814-31,580,821, CTTCGCGA deleted on the plus strand (TCGCGAAG on the coding strand, the reverse complement: SRD5A2 is on the minus strand); deleting any 8 consecutive bases within chr2:31,580,814-31,580,822 gives the same sequence; the c. name uses the placement nearest the transcript's 3' end. VCF-style (leftmost placement, unchanged base first): chr2-31580813-GCTTCGCGA-G. GRCh37 (hg19) VCF-style: chr2-31805882-GCTTCGCGA-G.
Other names: short protein forms V27fs.
Identifiers: ClinVar variation 2674673 (VCV002674673.1), dbSNP rs2465708621, ClinGen allele CA2586969050.

ClinVar aggregate classification (germline): Pathogenic (1 of 4 stars; one submission).

Conditions:
3-Oxo-5 alpha-steroid delta 4-dehydrogenase deficiency (PPSH). Also called: 46,XY disorder of sex development due to 5-alpha-reductase 2 deficiency; PSEUDOVAGINAL PERINEOSCROTAL HYPOSPADIAS; FAMILIAL INCOMPLETE MALE PSEUDOHERMAPHRODITISM, TYPE 2; MALE PSEUDOHERMAPHRODITISM DUE TO 5-ALPHA-REDUCTASE DEFICIENCY. Identifiers: Orphanet 753, MedGen C0268297, MONDO:0009923, OMIM 264600. Disease mechanism: loss of function.

Submission:

Clinical Biochemistry Laboratory, Health Services Laboratory
Classification: Pathogenic for 3-Oxo-5 alpha-steroid delta 4-dehydrogenase deficiency. Last evaluated: 2023-11-20. Review status: criteria provided, single submitter. Criteria: ACMG Guidelines, 2015. Collection method: clinical testing. Allele origin: germline. Affected: yes.
Comment: ACMG:PVS1 PM2 PP3 PP4